The following is an entry in ClinVar:

ClinVar aggregate classification (germline): Likely benign (1 of 4 stars; one submission).

Allele frequency attached by ClinVar (database versions not stated): gnomAD exomes below 0.00001.
gnomAD v4.1: 2 of 1,211,590 alleles (0.00017%); highest among the groups gnomAD compares: Non-Finnish European, 0.00022%; no homozygotes.

Submission:

CeGaT Center for Human Genetics Tuebingen
Classification: Likely benign. Last evaluated: 2023-06-01. Review status: criteria provided, single submitter. Criteria: CeGaT Center For Human Genetics Tuebingen Variant Classification Criteria Version 2. Collection method: clinical testing. Allele origin: germline. Affected: yes. Observed: 1 variant allele.
Comment: GPC3: PM2:Supporting, BP4, BP7

NM_004484.4(GPC3):c.738G>T (p.Leu246=)

Gene: GPC3 (glypican 3; minus strand). Cytogenetic location: Xq26.2.
Variant type: single nucleotide variant.
Coding change: c.738G>T on transcript NM_004484.4 (MANE Select); coding-DNA position 738, G replaced by T.
Protein change: p.Leu246=; no amino-acid change (leucine 246 retained).
Molecular consequence: synonymous variant.
Genome position (GRCh38, 1-based): chrX:133,753,776, C>A on the plus strand (G>T on the coding strand, the complement: GPC3 is on the minus strand). VCF-style: chrX-133753776-C-A. GRCh37 (hg19) VCF-style: chrX-132887803-C-A.
Other names: c.738G>T, p.Leu246= (NM_001164617.2); c.690G>T, p.Leu230= (NM_001164618.2); c.576G>T, p.Leu192= (NM_001164619.2).
Identifiers: ClinVar variation 2661469 (VCV002661469.24), dbSNP rs2521355374, ClinGen allele CA518852880.